The following is an entry in ClinVar:

NM_017617.5(NOTCH1):c.3770C>G (p.Pro1257Arg)

Gene: NOTCH1 (notch receptor 1; minus strand). Cytogenetic location: 9q34.3.
Variant type: single nucleotide variant.
Coding change: c.3770C>G on transcript NM_017617.5 (MANE Select); coding-DNA position 3770, C replaced by G.
Protein change: p.Pro1257Arg; replaces proline 1257 with arginine.
Molecular consequence: missense variant.
Genome position (GRCh38, 1-based): chr9:136,506,847, G>C on the plus strand (C>G on the coding strand, the complement: NOTCH1 is on the minus strand). VCF-style: chr9-136506847-G-C. GRCh37 (hg19) VCF-style: chr9-139401299-G-C.
Other names: short protein forms P1257R.
Identifiers: ClinVar variation 1734762 (VCV001734762.5), dbSNP rs200245794, ClinGen allele CA375549378.

ClinVar aggregate classification (germline): Uncertain significance. Review status: criteria provided, multiple submitters, no conflicts (2 of 4 stars). 2 submissions from 2 submitters: Uncertain significance (2). Last evaluated 2025-12-15.

Conditions:
Adams-Oliver syndrome 5 (AOS5). Identifiers: Orphanet 974, MedGen C4014970, MONDO:0014459, OMIM 616028.
Familial thoracic aortic aneurysm and aortic dissection (TAAD). Also called: Thoracic aortic aneurysms and dissections. Identifiers: Orphanet 91387, MedGen C4707243, MONDO:0019625.

gnomAD v4.1: 3 of 1,611,910 alleles (0.00019%); highest among the groups gnomAD compares: Non-Finnish European, 0.00025%; no homozygotes.

Submissions (2):

Labcorp Genetics (formerly Invitae), Labcorp
Classification: Uncertain significance for Adams-Oliver syndrome 5. Last evaluated: 2025-12-15. Review status: criteria provided, single submitter. Criteria: Invitae Variant Classification Sherloc (09022015). Collection method: clinical testing. Allele origin: germline.
Comment: This sequence change replaces proline, which is neutral and non-polar, with arginine, which is basic and polar, at codon 1257 of the NOTCH1 protein (p.Pro1257Arg). This variant is not present in population databases (gnomAD no frequency). This variant has not been reported in the literature in individuals affected with NOTCH1-related conditions. ClinVar contains an entry for this variant (Variation ID: 1734762). Invitae Evidence Modeling of protein sequence and biophysical properties (such as structural, functional, and spatial information, amino acid conservation, physicochemical variation, residue mobility, and thermodynamic stability) indicates that this missense variant is not expected to disrupt NOTCH1 protein function with a negative predictive value of 80%. In summary, the available evidence is currently insufficient to determine the role of this variant in disease. Therefore, it has been classified as a Variant of Uncertain Significance.

Ambry Genetics
Classification: Uncertain significance for Familial thoracic aortic aneurysm and aortic dissection. Last evaluated: 2022-02-14. Review status: criteria provided, single submitter. Criteria: Ambry Variant Classification Scheme 2023. Collection method: clinical testing. Allele origin: germline.
Comment: The p.P1257R variant (also known as c.3770C>G), located in coding exon 23 of the NOTCH1 gene, results from a C to G substitution at nucleotide position 3770. The proline at codon 1257 is replaced by arginine, an amino acid with dissimilar properties. This amino acid position is conserved. In addition, the in silico prediction for this alteration is inconclusive. Since supporting evidence is limited at this time, the clinical significance of this alteration remains unclear.